The following is an entry in ClinVar:

ClinVar aggregate classification (germline): Benign/Likely benign. Review status: criteria provided, multiple submitters, no conflicts (2 of 4 stars). 7 submissions from 7 submitters: Benign (2); Likely benign (4). 1 of the submissions does not count toward it. Last evaluated 2026-01-27.

Conditions:
SOS2-related disorder. Also called: SOS2-related condition.
Noonan syndrome 9 (NS9). Identifiers: Orphanet 648, MedGen C4225282, MONDO:0014691, OMIM 616559.

Allele frequency attached by ClinVar (database versions not stated): gnomAD 0.00006; ESP Exome Variant Server 0.00008; TOPMed 0.00012; ExAC 0.00022.
gnomAD v4.1: 208 of 1,610,334 alleles (0.013%); highest among the groups gnomAD compares: Middle Eastern, 0.066%; 1 homozygote.

Submissions (7):

Labcorp Genetics (formerly Invitae), Labcorp
Classification: Benign for Noonan syndrome 9. Last evaluated: 2026-01-27. Review status: criteria provided, single submitter. Criteria: Invitae Variant Classification Sherloc (09022015). Collection method: clinical testing. Allele origin: germline.

Laboratory of Genetics, Children's Clinical University Hospital Latvia
Classification: Likely benign. Last evaluated: 2025-02-16. Review status: criteria provided, single submitter. Criteria: ACMG Guidelines, 2015. Collection method: clinical testing. Allele origin: germline. Affected: yes.

Blueprint Genetics
Classification: Likely benign. Last evaluated: 2024-10-04. Review status: criteria provided, single submitter. Criteria: ACMG Guidelines, 2015. Collection method: clinical testing. Allele origin: germline.

Women's Health and Genetics/Laboratory Corporation of America, LabCorp
Classification: Likely benign. Last evaluated: 2022-08-20. Review status: criteria provided, single submitter. Criteria: LabCorp Variant Classification Summary - May 2015. Collection method: clinical testing. Allele origin: germline.

Department of Pathology and Laboratory Medicine, Sinai Health System
Classification: Likely benign for Noonan syndrome 9. Last evaluated: 2022-03-31. Review status: criteria provided, single submitter. Criteria: ACMG Guidelines, 2015. Collection method: research. Allele origin: germline.

Genome-Nilou Lab
Classification: Benign for Noonan syndrome 9. Review status: criteria provided, single submitter. Criteria: ACMG Guidelines, 2015. Collection method: clinical testing. Allele origin: germline.

PreventionGenetics, part of Exact Sciences
Classification: Benign for SOS2-related condition. Last evaluated: 2019-05-16. Review status: no assertion criteria provided. Collection method: clinical testing. Allele origin: germline. Not counted in ClinVar's aggregate classification.
Comment: This variant is classified as benign based on ACMG/AMP sequence variant interpretation guidelines (Richards et al. 2015 PMID: 25741868, with internal and published modifications).

NM_006939.4(SOS2):c.2605G>A (p.Val869Ile)

Gene: SOS2 (SOS Ras/Rho guanine nucleotide exchange factor 2; minus strand). Cytogenetic location: 14q21.3.
Variant type: single nucleotide variant.
Coding change: c.2605G>A on transcript NM_006939.4 (MANE Select); coding-DNA position 2605, G replaced by A.
Protein change: p.Val869Ile; replaces valine 869 with isoleucine.
Molecular consequence: missense variant.
Genome position (GRCh38, 1-based): chr14:50,145,232, C>T on the plus strand (G>A on the coding strand, the complement: SOS2 is on the minus strand). VCF-style: chr14-50145232-C-T. GRCh37 (hg19) VCF-style: chr14-50611950-C-T.
Other names: short protein forms V869I.
Identifiers: ClinVar variation 578603 (VCV000578603.17), dbSNP rs373143128, ClinGen allele CA7177001.